The following is an entry in ClinVar:

NM_000276.4(OCRL):c.1898C>A (p.Ser633Tyr)

Gene: OCRL (OCRL inositol polyphosphate-5-phosphatase; plus strand). Cytogenetic location: Xq26.1.
Variant type: single nucleotide variant.
Coding change: c.1898C>A on transcript NM_000276.4 (MANE Select); coding-DNA position 1898, C replaced by A.
Protein change: p.Ser633Tyr; replaces serine 633 with tyrosine.
Molecular consequence: missense variant.
Genome position (GRCh38, 1-based): chrX:129,576,335, C>A. VCF-style: chrX-129576335-C-A. GRCh37 (hg19) VCF-style: chrX-128710312-C-A.
Other names: c.1901C>A, p.Ser634Tyr (NM_001318784.2); c.1898C>A, p.Ser633Tyr (NM_001587.4); short protein forms S634Y, S633Y.
Identifiers: ClinVar variation 3681373 (VCV003681373.2).

ClinVar aggregate classification (germline): Uncertain significance (1 of 4 stars; one submission).

Conditions:
Lowe syndrome (OCRL). Also called: LOWE OCULOCEREBRORENAL SYNDROME; PHOSPHATIDYLINOSITOL 4,5-BISPHOSPHATE 5-PHOSPHATASE DEFICIENCY; Oculocerebrorenal Syndrome. Identifiers: Orphanet 534, MedGen C0028860, MONDO:0010645, OMIM 309000.

gnomAD v4.1: 6 of 1,205,403 alleles (0.0005%); highest among the groups gnomAD compares: East Asian, 0.0089%; no homozygotes.

Submission:

Labcorp Genetics (formerly Invitae), Labcorp
Classification: Uncertain significance for Lowe syndrome. Last evaluated: 2024-09-06. Review status: criteria provided, single submitter. Criteria: Invitae Variant Classification Sherloc (09022015). Collection method: clinical testing. Allele origin: germline.
Comment: This sequence change replaces serine, which is neutral and polar, with tyrosine, which is neutral and polar, at codon 633 of the OCRL protein (p.Ser633Tyr). This variant is present in population databases (no rsID available, gnomAD 0.01%). This variant has not been reported in the literature in individuals affected with OCRL-related conditions. Invitae Evidence Modeling of protein sequence and biophysical properties (such as structural, functional, and spatial information, amino acid conservation, physicochemical variation, residue mobility, and thermodynamic stability) indicates that this missense variant is not expected to disrupt OCRL protein function with a negative predictive value of 80%. In summary, the available evidence is currently insufficient to determine the role of this variant in disease. Therefore, it has been classified as a Variant of Uncertain Significance.